The following is an entry in ClinVar:

ClinVar aggregate classification (germline): Likely benign. Review status: criteria provided, multiple submitters, no conflicts (2 of 4 stars). 5 submissions from 5 submitters: Likely benign (5). Last evaluated 2025-06-18.

Conditions:
Hereditary cancer-predisposing syndrome. Also called: Hereditary Cancer Syndrome; Tumor predisposition; Neoplastic Syndromes, Hereditary; Hereditary neoplastic syndrome. Identifiers: Orphanet 140162, MedGen C0027672, MeSH D009386, MONDO:0015356.
Familial cancer of breast. Also called: BREAST CANCER, FAMILIAL; Hereditary breast cancer; hereditary breast carcinoma. Identifiers: Orphanet 227535, MedGen C0346153, MONDO:0016419, OMIM 114480. Disease mechanism: loss of function.
Ataxia-telangiectasia syndrome (AT). Also called: Cerebello-oculocutaneous telangiectasia; Immunodeficiency with ataxia telangiectasia; AT, COMPLEMENTATION GROUP C; Ataxia-telangiectasia, complementation group D; LOUIS-BAR SYNDROME; Ataxia-telangiectasia, complementation group E. Identifiers: Orphanet 100, MedGen C0004135, MONDO:0008840, OMIM 208900.

Allele frequency attached by ClinVar (database versions not stated): gnomAD exomes below 0.00001; TOPMed below 0.00001; gnomAD 0.00001.
gnomAD v4.1: 3 of 1,590,898 alleles (0.00019%); highest among the groups gnomAD compares: Non-Finnish European, 0.00017%; no homozygotes.

Submissions (5):

Labcorp Genetics (formerly Invitae), Labcorp
Classification: Likely benign for Ataxia-telangiectasia syndrome. Last evaluated: 2025-06-18. Review status: criteria provided, single submitter. Criteria: Invitae Variant Classification Sherloc (09022015). Collection method: clinical testing. Allele origin: germline.

Women's Health and Genetics/Laboratory Corporation of America, LabCorp
Classification: Likely benign. Last evaluated: 2024-12-11. Review status: criteria provided, single submitter. Criteria: LabCorp Variant Classification Summary - May 2015. Collection method: clinical testing. Allele origin: germline.

Myriad Genetics, Inc.
Classification: Likely benign for Familial cancer of breast. Last evaluated: 2024-04-17. Review status: criteria provided, single submitter. Criteria: Myriad Autosomal Dominant, Autosomal Recessive and X-Linked Classification Criteria (2023). Collection method: clinical testing. Allele origin: unknown.
Comment: This variant is considered likely benign. This variant is intronic and is not expected to impact mRNA splicing.

Color Diagnostics, LLC DBA Color Health
Classification: Likely benign for Hereditary cancer-predisposing syndrome. Last evaluated: 2019-07-30. Review status: criteria provided, single submitter. Criteria: ACMG Guidelines, 2015. Collection method: clinical testing. Allele origin: germline.

GeneDx
Classification: Likely benign. Last evaluated: 2017-11-27. Review status: criteria provided, single submitter. Criteria: GeneDx Variant Classification (06012015). Collection method: clinical testing. Allele origin: germline. Affected: yes.
Comment: This variant is considered likely benign or benign based on one or more of the following criteria: it is a conservative change, it occurs at a poorly conserved position in the protein, it is predicted to be benign by multiple in silico algorithms, and/or has population frequency not consistent with disease.

NM_000051.4(ATM):c.185+10T>C

Gene: ATM (ATM serine/threonine kinase; plus strand). Cytogenetic location: 11q22.3.
Variant type: single nucleotide variant.
Coding change: c.185+10T>C on transcript NM_000051.4 (MANE Select); 10 bases into the intron after coding-DNA position 185, T replaced by C.
Molecular consequence: intron variant.
Genome position (GRCh38, 1-based): chr11:108,227,898, T>C. VCF-style: chr11-108227898-T-C. GRCh37 (hg19) VCF-style: chr11-108098625-T-C.
Other names: c.185+10T>C (NM_001351834.2, NM_001351835.2, NM_001351836.2).
Identifiers: ClinVar variation 513668 (VCV000513668.18), dbSNP rs1555054317, ClinGen allele CA658797775.
Genomic context (GRCh38, chr11:108,227,898, plus strand): 5'-GCATTCAGATTCCAAACAAGGAAAATATTTGAATTGGGATGCTGTTTTTAGGTATTCTAT[T>C]CAAATTTATTTTACTGTCTTTATTTTTCTCTTTCATATTTATTTCTGTTGTGATATTACT-3'